The following is an entry in ClinVar:

NM_002693.3(POLG):c.2217C>A (p.Tyr739Ter)

Gene: POLG (DNA polymerase gamma, catalytic subunit; minus strand). Cytogenetic location: 15q26.1.
Variant type: single nucleotide variant.
Coding change: c.2217C>A on transcript NM_002693.3 (MANE Select); coding-DNA position 2217, C replaced by A.
Protein change: p.Tyr739Ter; replaces tyrosine 739 with a stop codon.
Molecular consequence: nonsense.
Genome position (GRCh38, 1-based): chr15:89,323,452, G>T on the plus strand (C>A on the coding strand, the complement: POLG is on the minus strand). VCF-style: chr15-89323452-G-T. GRCh37 (hg19) VCF-style: chr15-89866683-G-T.
Other names: c.2217C>A, p.Tyr739Ter (NM_001126131.2); short protein forms Y739*.
Identifiers: ClinVar variation 1390135 (VCV001390135.6), dbSNP rs750514687, ClinGen allele CA7724542.

ClinVar aggregate classification (germline): Pathogenic (1 of 4 stars; one submission).

Conditions:
Progressive sclerosing poliodystrophy (MTDPS4A). Also called: Mitochondrial DNA depletion syndrome 4A (Alpers type); ALPERS PROGRESSIVE INFANTILE POLIODYSTROPHY; NEURONAL DEGENERATION OF CHILDHOOD WITH LIVER DISEASE, PROGRESSIVE; Mitochondrial DNA Depletion Syndrome 4A; Alpers-Huttenlocher Syndrome (AHS); Alpers Syndrome. Identifiers: Orphanet 726, MedGen C0205710, MONDO:0008758, OMIM 203700.

Allele frequency attached by ClinVar (database versions not stated): ExAC 0.00001; gnomAD exomes below 0.00001.

Submission:

Labcorp Genetics (formerly Invitae), Labcorp
Classification: Pathogenic for Progressive sclerosing poliodystrophy. Last evaluated: 2024-09-30. Review status: criteria provided, single submitter. Criteria: Invitae Variant Classification Sherloc (09022015). Collection method: clinical testing. Allele origin: germline.
Comment: This sequence change creates a premature translational stop signal (p.Tyr739*) in the POLG gene. It is expected to result in an absent or disrupted protein product. Loss-of-function variants in POLG are known to be pathogenic (PMID: 18546365). This variant is present in population databases (rs750514687, gnomAD 0.0009%). This variant has not been reported in the literature in individuals affected with POLG-related conditions. ClinVar contains an entry for this variant (Variation ID: 1390135). Algorithms developed to predict the effect of sequence changes on RNA splicing suggest that this variant may disrupt the consensus splice site. For these reasons, this variant has been classified as Pathogenic.

Literature cited by the submitters: PubMed 18546365.